The following is an entry in ClinVar:

ClinVar aggregate classification (germline): Uncertain significance. Review status: criteria provided, multiple submitters, no conflicts (2 of 4 stars). 2 submissions from 2 submitters: Uncertain significance (2). Last evaluated 2026-01-07.

Conditions:
Inborn genetic diseases. Identifiers: MedGen C0950123, MeSH D030342.
Myoclonic dystonia 26. Identifiers: MedGen C4225341, MONDO:0014620, OMIM 616398.

gnomAD v4.1: 51 of 1,258,646 alleles (0.0041%); highest among the groups gnomAD compares: African/African-American, 0.076%; no homozygotes.

Submissions (2):

Labcorp Genetics (formerly Invitae), Labcorp
Classification: Uncertain significance for Myoclonic dystonia 26. Last evaluated: 2026-01-07. Review status: criteria provided, single submitter. Criteria: Invitae Variant Classification Sherloc (09022015). Collection method: clinical testing. Allele origin: germline.
Comment: This sequence change replaces alanine, which is neutral and non-polar, with valine, which is neutral and non-polar, at codon 19 of the KCTD17 protein (p.Ala19Val). This variant is present in population databases (rs753632361, gnomAD 0.05%). This variant has not been reported in the literature in individuals affected with KCTD17-related conditions. ClinVar contains an entry for this variant (Variation ID: 4090915). An algorithm developed to predict the effect of missense changes on protein structure and function outputs the following: PolyPhen-2: "Benign". The valine amino acid residue is found in multiple mammalian species, which suggests that this missense change does not adversely affect protein function. In summary, the available evidence is currently insufficient to determine the role of this variant in disease. Therefore, it has been classified as a Variant of Uncertain Significance.

Ambry Genetics
Classification: Uncertain significance for Inborn genetic diseases. Last evaluated: 2025-08-27. Review status: criteria provided, single submitter. Criteria: Ambry Variant Classification Scheme 2023. Collection method: clinical testing. Allele origin: germline.

NM_001282684.2(KCTD17):c.35C>T (p.Ala12Val)

Genes: KCTD17 (potassium channel tetramerization domain containing 17; plus strand), LOC130067340 (ATAC-STARR-seq lymphoblastoid silent region 13677; plus strand). Cytogenetic location: 22q12.3.
Variant type: single nucleotide variant.
Coding change: c.35C>T on transcript NM_001282684.2 (MANE Select); coding-DNA position 35, C replaced by T.
Protein change: p.Ala12Val; replaces alanine 12 with valine.
Molecular consequence: missense variant.
Genome position (GRCh38, 1-based): chr22:37,051,795, C>T. VCF-style: chr22-37051795-C-T. GRCh37 (hg19) VCF-style: chr22-37447835-C-T.
Other names: c.35C>T, p.Ala12Val (NM_001282685.2, NM_001282686.2, NM_024681.4); short protein forms A12V.
Identifiers: ClinVar variation 4090915 (VCV004090915.2).